The following is an entry in ClinVar:

ClinVar aggregate classification (germline): Uncertain significance. Review status: criteria provided, multiple submitters, no conflicts (2 of 4 stars). 2 submissions from 2 submitters: Uncertain significance (2). Last evaluated 2026-01-11.

Conditions:
Hereditary cancer-predisposing syndrome. Also called: Neoplastic Syndromes, Hereditary; Hereditary Cancer Syndrome; Hereditary neoplastic syndrome; Tumor predisposition. Identifiers: Orphanet 140162, MedGen C0027672, MeSH D009386, MONDO:0015356.
Mitochondrial complex II deficiency, nuclear type 1. Also called: SUCCINATE CoQ REDUCTASE DEFICIENCY. Identifiers: Orphanet 3208, MedGen C5700310, MONDO:0100294, OMIM 252011.
Pheochromocytoma/paraganglioma syndrome 5. Also called: Paragangliomas 5; SDHA-Related Hereditary Paraganglioma-Pheochromocytoma Syndrome. Identifiers: Orphanet 29072, MedGen C3279992, MONDO:0013602, OMIM 614165.

Allele frequency attached by ClinVar (database versions not stated): gnomAD exomes below 0.00001.
gnomAD v4.1: 1 of 1,613,600 alleles (0.000062%); highest among the groups gnomAD compares: Non-Finnish European, 0.000085%; no homozygotes.

Submissions (2):

Labcorp Genetics (formerly Invitae), Labcorp
Classification: Uncertain significance for Pheochromocytoma/paraganglioma syndrome 5; Mitochondrial complex II deficiency, nuclear type 1. Last evaluated: 2026-01-11. Review status: criteria provided, single submitter. Criteria: Invitae Variant Classification Sherloc (09022015). Collection method: clinical testing. Allele origin: germline.
Comment: This sequence change replaces leucine, which is neutral and non-polar, with valine, which is neutral and non-polar, at codon 562 of the SDHA protein (p.Leu562Val). This variant is not present in population databases (gnomAD no frequency). This variant has not been reported in the literature in individuals affected with SDHA-related conditions. ClinVar contains an entry for this variant (Variation ID: 1463357). Invitae Evidence Modeling of protein sequence and biophysical properties (such as structural, functional, and spatial information, amino acid conservation, physicochemical variation, residue mobility, and thermodynamic stability) has been performed for this missense variant. However, the output from this modeling did not meet the statistical confidence thresholds required to predict the impact of this variant on SDHA protein function. In summary, the available evidence is currently insufficient to determine the role of this variant in disease. Therefore, it has been classified as a Variant of Uncertain Significance.

Ambry Genetics
Classification: Uncertain significance for Hereditary cancer-predisposing syndrome. Last evaluated: 2024-11-15. Review status: criteria provided, single submitter. Criteria: Ambry Variant Classification Scheme 2023. Collection method: clinical testing. Allele origin: germline.
Comment: The p.L562V variant (also known as c.1684C>G), located in coding exon 13 of the SDHA gene, results from a C to G substitution at nucleotide position 1684. The leucine at codon 562 is replaced by valine, an amino acid with highly similar properties. This amino acid position is conserved. In addition, the in silico prediction for this alteration is inconclusive. Since supporting evidence is limited at this time, the clinical significance of this alteration remains unclear.

NM_004168.4(SDHA):c.1684C>G (p.Leu562Val)

Gene: SDHA (succinate dehydrogenase complex flavoprotein subunit A; plus strand). Cytogenetic location: 5p15.33.
Variant type: single nucleotide variant.
Coding change: c.1684C>G on transcript NM_004168.4 (MANE Select); coding-DNA position 1684, C replaced by G.
Protein change: p.Leu562Val; replaces leucine 562 with valine.
Molecular consequence: missense variant. On other transcripts: intron variant (1).
Genome position (GRCh38, 1-based): chr5:251,358, C>G. VCF-style: chr5-251358-C-G. GRCh37 (hg19) VCF-style: chr5-251473-C-G.
Other names: c.1540C>G, p.Leu514Val (NM_001294332.2); c.1552-3035C>G (NM_001330758.2); short protein forms L562V, L514V.
Identifiers: ClinVar variation 1463357 (VCV001463357.7), dbSNP rs1561010740, ClinGen allele CA358999929.
Genomic context (GRCh38, chr5:251,358, plus strand): 5'-GGGTCCCGCCTGCCCCTGATGGAACTTTTTGTGTCCCCAGGAATGGTCTGGAACACGGAC[C>G]TGGTGGAGACCCTGGAGCTGCAGAACCTGATGCTGTGTGCGCTGCAGACCATCTACGGAG-3'
Protein context (NP_004159.2, residues 552-572): FDRGMVWNTD[Leu562Val]VETLELQNLM